The following is an entry in ClinVar:

NM_014956.5(CEP164):c.907G>A (p.Gly303Arg)

Gene: CEP164 (centrosomal protein 164; plus strand). Cytogenetic location: 11q23.3.
Variant type: single nucleotide variant.
Coding change: c.907G>A on transcript NM_014956.5 (MANE Select); coding-DNA position 907, G replaced by A.
Protein change: p.Gly303Arg; replaces glycine 303 with arginine.
Molecular consequence: missense variant.
Genome position (GRCh38, 1-based): chr11:117,371,221, G>A. VCF-style: chr11-117371221-G-A. GRCh37 (hg19) VCF-style: chr11-117241937-G-A.
Other names: c.907G>A, p.Gly303Arg (NM_001271933.2); short protein forms G303R.
Identifiers: ClinVar variation 954766 (VCV000954766.8), dbSNP rs1281252703, ClinGen allele CA382737066.

ClinVar aggregate classification (germline): Uncertain significance. Review status: criteria provided, multiple submitters, no conflicts (2 of 4 stars). 2 submissions from 2 submitters: Uncertain significance (2). Last evaluated 2025-09-22.

Conditions:
Inborn genetic diseases. Identifiers: MedGen C0950123, MeSH D030342.
Nephronophthisis 15 (NPHP15). Identifiers: Orphanet 3156, MedGen C3541853, MONDO:0013917, OMIM 614845.

Allele frequency attached by ClinVar (database versions not stated): gnomAD exomes 0.00001; TOPMed 0.00001; gnomAD 0.00002.

Submissions (2):

Ambry Genetics
Classification: Uncertain significance for Inborn genetic diseases. Last evaluated: 2025-09-22. Review status: criteria provided, single submitter. Criteria: Ambry Variant Classification Scheme 2023. Collection method: clinical testing. Allele origin: germline.

Labcorp Genetics (formerly Invitae), Labcorp
Classification: Uncertain significance for Nephronophthisis 15. Last evaluated: 2021-09-01. Review status: criteria provided, single submitter. Criteria: Invitae Variant Classification Sherloc (09022015). Collection method: clinical testing. Allele origin: germline.
Comment: This sequence change replaces glycine with arginine at codon 303 of the CEP164 protein (p.Gly303Arg). The glycine residue is moderately conserved and there is a moderate physicochemical difference between glycine and arginine. This variant is not present in population databases (ExAC no frequency). This variant has not been reported in the literature in individuals affected with CEP164-related conditions. Algorithms developed to predict the effect of missense changes on protein structure and function output the following: SIFT: "Tolerated"; PolyPhen-2: "Benign"; Align-GVGD: "Class C0". The arginine amino acid residue is found in multiple mammalian species, which suggests that this missense change does not adversely affect protein function. In summary, the available evidence is currently insufficient to determine the role of this variant in disease. Therefore, it has been classified as a Variant of Uncertain Significance.